The following is an entry in ClinVar:

ClinVar aggregate classification (germline): Uncertain significance (1 of 4 stars; one submission).

gnomAD v4.1: 1 of 1,613,016 alleles (0.000062%); no homozygotes.

Submission:

Labcorp Genetics (formerly Invitae), Labcorp
Classification: Uncertain significance. Last evaluated: 2024-11-22. Review status: criteria provided, single submitter. Criteria: Invitae Variant Classification Sherloc (09022015). Collection method: clinical testing. Allele origin: germline.
Comment: This sequence change creates a premature translational stop signal (p.Gly163*) in the IL12RB2 gene. It is expected to result in an absent or disrupted protein product. However, the current clinical and genetic evidence is not sufficient to establish whether loss-of-function variants in IL12RB2 cause disease. This variant is present in population databases (no rsID available, gnomAD no frequency). This variant has not been reported in the literature in individuals affected with IL12RB2-related conditions. ClinVar contains an entry for this variant (Variation ID: 2987561). In summary, the available evidence is currently insufficient to determine the role of this variant in disease. Therefore, it has been classified as a Variant of Uncertain Significance.

NM_001374259.2(IL12RB2):c.487G>T (p.Gly163Ter)

Gene: IL12RB2 (interleukin 12 receptor subunit beta 2; plus strand). Cytogenetic location: 1p31.3.
Variant type: single nucleotide variant.
Coding change: c.487G>T on transcript NM_001374259.2 (MANE Select); coding-DNA position 487, G replaced by T.
Protein change: p.Gly163Ter; replaces glycine 163 with a stop codon.
Molecular consequence: nonsense. On other transcripts: non-coding transcript variant (2).
Genome position (GRCh38, 1-based): chr1:67,328,207, G>T. VCF-style: chr1-67328207-G-T. GRCh37 (hg19) VCF-style: chr1-67793890-G-T.
Other names: c.487G>T, p.Gly163Ter (NM_001258214.1, NM_001258215.1, NM_001258216.1 and 2 more transcripts); short protein forms G163*.
Identifiers: ClinVar variation 2987561 (VCV002987561.3), dbSNP rs1212343047, ClinGen allele CA340732793.